The following is an entry in ClinVar:

NM_000722.4(CACNA2D1):c.2777C>T (p.Ala926Val)

Gene: CACNA2D1 (calcium voltage-gated channel auxiliary subunit alpha2delta 1; minus strand). Cytogenetic location: 7q21.11.
Variant type: single nucleotide variant.
Coding change: c.2777C>T on transcript NM_000722.4 (MANE Select); coding-DNA position 2777, C replaced by T.
Protein change: p.Ala926Val; replaces alanine 926 with valine.
Molecular consequence: missense variant.
Genome position (GRCh38, 1-based): chr7:81,964,059, G>A on the plus strand (C>T on the coding strand, the complement: CACNA2D1 is on the minus strand). VCF-style: chr7-81964059-G-A. GRCh37 (hg19) VCF-style: chr7-81593375-G-A.
Other names: c.2813C>T, p.Ala938Val (NM_001366867.1); short protein forms A938V, A926V.
Identifiers: ClinVar variation 1987766 (VCV001987766.4), dbSNP rs760126352, ClinGen allele CA4317508.

ClinVar aggregate classification (germline): Uncertain significance (1 of 4 stars; one submission).

Conditions:
Brugada syndrome. Also called: Sudden unexpected nocturnal death syndrome; Sudden unexplained nocturnal death syndrome; Sudden Unexplained Death Syndrome; Sudden Unexplained Nocturnal Death Syndrome (SUNDS). Identifiers: Orphanet 130, MedGen C1142166, MONDO:0015263.

Allele frequency attached by ClinVar (database versions not stated): ExAC 0.00001; gnomAD exomes 0.00001.
gnomAD v4.1: 13 of 1,611,050 alleles (0.00081%); highest among the groups gnomAD compares: South Asian, 0.0011%; no homozygotes.

Submission:

Labcorp Genetics (formerly Invitae), Labcorp
Classification: Uncertain significance for Brugada syndrome. Last evaluated: 2023-12-13. Review status: criteria provided, single submitter. Criteria: Invitae Variant Classification Sherloc (09022015). Collection method: clinical testing. Allele origin: germline.
Comment: This sequence change replaces alanine, which is neutral and non-polar, with valine, which is neutral and non-polar, at codon 926 of the CACNA2D1 protein (p.Ala926Val). This variant is present in population databases (rs760126352, gnomAD 0.002%). This variant has not been reported in the literature in individuals affected with CACNA2D1-related conditions. ClinVar contains an entry for this variant (Variation ID: 1987766). An algorithm developed to predict the effect of missense changes on protein structure and function (PolyPhen-2) suggests that this variant is likely to be disruptive. In summary, the available evidence is currently insufficient to determine the role of this variant in disease. Therefore, it has been classified as a Variant of Uncertain Significance.